The following is an entry in ClinVar:

ClinVar aggregate classification (germline): Likely benign (0 of 4 stars; one submission).

Conditions:
CELSR1-related disorder. Also called: CELSR1-related condition.

Allele frequency attached by ClinVar (database versions not stated): ESP Exome Variant Server 0.00031; 1000 Genomes Project 0.00040; 1000 Genomes Project 30x 0.00047; gnomAD 0.00060; TOPMed 0.00065; ExAC 0.00077; gnomAD exomes 0.00083.
gnomAD v4.1: 1,283 of 1,605,922 alleles (0.08%); highest among the groups gnomAD compares: Middle Eastern, 0.13%; 2 homozygotes.

Submission:

PreventionGenetics, part of Exact Sciences
Classification: Likely benign for CELSR1-related condition. Last evaluated: 2019-08-30. Review status: no assertion criteria provided. Collection method: clinical testing. Allele origin: germline.
Comment: This variant is classified as likely benign based on ACMG/AMP sequence variant interpretation guidelines (Richards et al. 2015 PMID: 25741868, with internal and published modifications).

NM_001378328.1(CELSR1):c.6123C>T (p.Ala2041=)

Gene: CELSR1 (cadherin EGF LAG seven-pass G-type receptor 1; minus strand). Cytogenetic location: 22q13.31.
Variant type: single nucleotide variant.
Coding change: c.6123C>T on transcript NM_001378328.1 (MANE Select); coding-DNA position 6123, C replaced by T.
Protein change: p.Ala2041=; no amino-acid change (alanine 2041 retained).
Molecular consequence: synonymous variant.
Genome position (GRCh38, 1-based): chr22:46,391,658, G>A on the plus strand (C>T on the coding strand, the complement: CELSR1 is on the minus strand). VCF-style: chr22-46391658-G-A. GRCh37 (hg19) VCF-style: chr22-46787555-G-A.
Other names: c.6123C>T, p.Ala2041= (NM_014246.4).
Identifiers: ClinVar variation 3034378 (VCV003034378.2), dbSNP rs150599618, ClinGen allele CA10293959.